The following is an entry in ClinVar:

ClinVar aggregate classification (germline): Uncertain significance. Review status: criteria provided, multiple submitters, no conflicts (2 of 4 stars). 2 submissions from 2 submitters: Uncertain significance (2). Last evaluated 2024-04-18.

Conditions:
Pleuropulmonary blastoma (PPB). Identifiers: Orphanet 64742, MedGen C1266144, MONDO:0011014, OMIM 601200, HP:0100528.
Euthyroid goiter (MNG1). Also called: Goiter, multinodular 1, with or without Sertoli-Leydig cell tumors; GOITER, NONTOXIC, WITH INTRATHYROIDAL CALCIFICATION; MULTINODULAR GOITER, ADOLESCENT; SIMPLE GOITER. Identifiers: Orphanet 276399, MedGen C0302859, MONDO:0007681, OMIM 138800, HP:0009798.
Rhabdomyosarcoma, embryonal, 2 (RMSE2). Identifiers: MedGen C1867234, MONDO:0859046, OMIM 180295.
Global developmental delay - lung cysts - overgrowth - Wilms tumor syndrome. Also called: GLOBAL DEVELOPMENTAL DELAY, LUNG CYSTS, OVERGROWTH, AND WILMS TUMOR; GLOW Syndrome. Identifiers: Orphanet 404476, MedGen C4748924, MONDO:0018445, OMIM 618272.
Hereditary cancer-predisposing syndrome. Also called: Neoplastic Syndromes, Hereditary; Tumor predisposition; Hereditary Cancer Syndrome; Hereditary neoplastic syndrome. Identifiers: Orphanet 140162, MedGen C0027672, MeSH D009386, MONDO:0015356.

Submissions (2):

Fulgent Genetics
Classification: Uncertain significance for Euthyroid goiter; Rhabdomyosarcoma, embryonal, 2; Pleuropulmonary blastoma; Global developmental delay - lung cysts - overgrowth - Wilms tumor syndrome. Last evaluated: 2024-04-18. Review status: criteria provided, single submitter. Criteria: ACMG Guidelines, 2015. Collection method: clinical testing. Allele origin: germline.

Ambry Genetics
Classification: Uncertain significance for Hereditary cancer-predisposing syndrome. Last evaluated: 2017-07-13. Review status: criteria provided, single submitter. Criteria: Ambry Variant Classification Scheme 2023. Collection method: clinical testing. Allele origin: germline.
Comment: The p.D1195H variant (also known as c.3583G>C), located in coding exon 20 of the DICER1 gene, results from a G to C substitution at nucleotide position 3583. The aspartic acid at codon 1195 is replaced by histidine, an amino acid with similar properties. This amino acid position is highly conserved through mammals but not in all available vertebrate species. In addition, the in silico prediction for this alteration is inconclusive. Since supporting evidence is limited at this time, the clinical significance of this alteration remains unclear.

NM_177438.3(DICER1):c.3583G>C (p.Asp1195His)

Gene: DICER1 (dicer 1, ribonuclease III; minus strand). Cytogenetic location: 14q32.13.
Variant type: single nucleotide variant.
Coding change: c.3583G>C on transcript NM_177438.3 (MANE Select); coding-DNA position 3583, G replaced by C.
Protein change: p.Asp1195His; replaces aspartic acid 1195 with histidine.
Molecular consequence: missense variant.
Genome position (GRCh38, 1-based): chr14:95,103,813, C>G on the plus strand (G>C on the coding strand, the complement: DICER1 is on the minus strand). VCF-style: chr14-95103813-C-G. GRCh37 (hg19) VCF-style: chr14-95570150-C-G.
Other names: c.3583G>C, p.Asp1195His (NM_001195573.1, NM_001271282.3, NM_001291628.2 and 1 more transcripts); short protein forms D1195H.
Identifiers: ClinVar variation 483450 (VCV000483450.6), dbSNP rs1555369546, ClinGen allele CA390874827.